The following is an entry in ClinVar:

ClinVar aggregate classification (germline): Uncertain significance (1 of 4 stars; one submission).

Conditions:
Parkinson disease 17 (PARK17). Also called: VPS35-Related Parkinson Disease. Identifiers: Orphanet 411602, MedGen C3280133, MONDO:0013625, OMIM 614203.

Submission:

Labcorp Genetics (formerly Invitae), Labcorp
Classification: Uncertain significance for Parkinson disease 17. Last evaluated: 2025-01-29. Review status: criteria provided, single submitter. Criteria: Invitae Variant Classification Sherloc (09022015). Collection method: clinical testing. Allele origin: germline.
Comment: This sequence change replaces leucine, which is neutral and non-polar, with isoleucine, which is neutral and non-polar, at codon 43 of the VPS35 protein (p.Leu43Ile). This variant is not present in population databases (gnomAD no frequency). This variant has not been reported in the literature in individuals affected with VPS35-related conditions. Invitae Evidence Modeling of protein sequence and biophysical properties (such as structural, functional, and spatial information, amino acid conservation, physicochemical variation, residue mobility, and thermodynamic stability) indicates that this missense variant is not expected to disrupt VPS35 protein function with a negative predictive value of 80%. In summary, the available evidence is currently insufficient to determine the role of this variant in disease. Therefore, it has been classified as a Variant of Uncertain Significance.

NM_018206.6(VPS35):c.127C>A (p.Leu43Ile)

Gene: VPS35 (VPS35 retromer complex component; minus strand). Cytogenetic location: 16q11.2.
Variant type: single nucleotide variant.
Coding change: c.127C>A on transcript NM_018206.6 (MANE Select); coding-DNA position 127, C replaced by A.
Protein change: p.Leu43Ile; replaces leucine 43 with isoleucine.
Molecular consequence: missense variant.
Genome position (GRCh38, 1-based): chr16:46,682,151, G>T on the plus strand (C>A on the coding strand, the complement: VPS35 is on the minus strand). VCF-style: chr16-46682151-G-T. GRCh37 (hg19) VCF-style: chr16-46716063-G-T.
Other names: short protein forms L43I.
Identifiers: ClinVar variation 3666339 (VCV003666339.2).
Genomic context (GRCh38, chr16:46,682,151, plus strand): 5'-AACTCTTTGGTGATAACATAGAAGTCCGGAGTTCACCAAGCATATTAGAAGCATGTTTTA[G>T]AGCATCCATAAGCTTGTTTTTGTCCTACAGAAATACCAAGAGAATAGATGAGAATGCTTA-3'
Protein context (NP_060676.2, residues 33-53): CLDKNKLMDA[Leu43Ile]KHASNMLGEL